The following is an entry in ClinVar:

ClinVar aggregate classification (germline): Uncertain significance (1 of 4 stars; one submission).

Conditions:
Familial cancer of breast. Also called: Hereditary breast cancer; BREAST CANCER, FAMILIAL; hereditary breast carcinoma. Identifiers: Orphanet 227535, MedGen C0346153, MONDO:0016419, OMIM 114480. Disease mechanism: loss of function.
Fanconi anemia complementation group J. Also called: BRIP1-Related Fanconi Anemia. Identifiers: Orphanet 84, MedGen C1836860, MONDO:0012187, OMIM 609054.

Submission:

Labcorp Genetics (formerly Invitae), Labcorp
Classification: Uncertain significance for Familial cancer of breast; Fanconi anemia complementation group J. Last evaluated: 2018-08-25. Review status: criteria provided, single submitter. Criteria: Invitae Variant Classification Sherloc (09022015). Collection method: clinical testing. Allele origin: germline.
Comment: In summary, the available evidence is currently insufficient to determine the role of this variant in disease. Therefore, it has been classified as a Variant of Uncertain Significance. Algorithms developed to predict the effect of missense changes on protein structure and function are either unavailable or do not agree on the potential impact of this missense change (SIFT: "Deleterious"; PolyPhen-2: "Possibly Damaging"; Align-GVGD: "Class C0"). This sequence change replaces lysine with threonine at codon 1078 of the BRIP1 protein (p.Lys1078Thr). The lysine residue is moderately conserved and there is a moderate physicochemical difference between lysine and threonine. This variant is not present in population databases (ExAC no frequency). This variant has not been reported in the literature in individuals with BRIP1-related disease.

NM_032043.3(BRIP1):c.3233A>C (p.Lys1078Thr)

Gene: BRIP1 (BRCA1 interacting DNA helicase 1; minus strand). Cytogenetic location: 17q23.2.
Variant type: single nucleotide variant.
Coding change: c.3233A>C on transcript NM_032043.3 (MANE Select); coding-DNA position 3233, A replaced by C.
Protein change: p.Lys1078Thr; replaces lysine 1078 with threonine.
Molecular consequence: missense variant.
Genome position (GRCh38, 1-based): chr17:61,683,813, T>G on the plus strand (A>C on the coding strand, the complement: BRIP1 is on the minus strand). VCF-style: chr17-61683813-T-G. GRCh37 (hg19) VCF-style: chr17-59761174-T-G.
Other names: short protein forms K1078T.
Identifiers: ClinVar variation 666152 (VCV000666152.9), dbSNP rs1603275371, ClinGen allele CA400479207.